The following is an entry in ClinVar:

NM_001458.5(FLNC):c.3589G>A (p.Gly1197Arg)

Gene: FLNC (filamin C; plus strand). Cytogenetic location: 7q32.1.
Variant type: single nucleotide variant.
Coding change: c.3589G>A on transcript NM_001458.5 (MANE Select); coding-DNA position 3589, G replaced by A.
Protein change: p.Gly1197Arg; replaces glycine 1197 with arginine.
Molecular consequence: missense variant.
Genome position (GRCh38, 1-based): chr7:128,845,054, G>A. VCF-style: chr7-128845054-G-A. GRCh37 (hg19) VCF-style: chr7-128485108-G-A.
Other names: c.3589G>A, p.Gly1197Arg (NM_001127487.2); short protein forms G1197R.
Identifiers: ClinVar variation 472041 (VCV000472041.10), dbSNP rs753812010, ClinGen allele CA4475074.

ClinVar aggregate classification (germline): Uncertain significance. Review status: criteria provided, multiple submitters, no conflicts (2 of 4 stars). 4 submissions from 4 submitters: Uncertain significance (4). Last evaluated 2026-01-18.

Conditions:
Myofibrillar myopathy 5. Also called: FILAMINOPATHY, AUTOSOMAL DOMINANT; Filaminopathy (type). Identifiers: Orphanet 171445, MedGen C1836050, MONDO:0012289, OMIM 609524.
Hypertrophic cardiomyopathy 26. Also called: Cardiomyopathy, familial hypertrophic, 26. Identifiers: Orphanet 75249, MedGen C4310749, MONDO:0014883, OMIM 617047.
Distal myopathy with posterior leg and anterior hand involvement. Also called: WILLIAMS DISTAL MYOPATHY. Identifiers: Orphanet 63273, MedGen C3279722, MONDO:0013550, OMIM 614065.
FLNC-related disorder. Also called: FLNC-related disorders; FLNC-related condition.

Allele frequency attached by ClinVar (database versions not stated): gnomAD exomes below 0.00001 and 0.00001; ExAC 0.00001; gnomAD 0.00001; TOPMed 0.00002.
gnomAD v4.1: 19 of 1,613,730 alleles (0.0012%); highest among the groups gnomAD compares: Middle Eastern, 0.016%; no homozygotes.

Submissions (4):

PreventionGenetics, part of Exact Sciences
Classification: Uncertain significance for FLNC-related condition. Last evaluated: 2026-01-18. Review status: criteria provided, single submitter. Criteria: ACMG Guidelines, 2015. Collection method: clinical testing. Allele origin: germline.
Comment: The FLNC c.3589G>A variant is predicted to result in the amino acid substitution p.Gly1197Arg. To our knowledge, this variant has not been reported in the literature. This variant is reported in 0.00088% of alleles in individuals of European (Non-Finnish) descent in gnomAD. At this time, the clinical significance of this variant is uncertain due to the absence of conclusive functional and genetic evidence.

Labcorp Genetics (formerly Invitae), Labcorp
Classification: Uncertain significance for Distal myopathy with posterior leg and anterior hand involvement; Myofibrillar myopathy 5; Hypertrophic cardiomyopathy 26. Last evaluated: 2025-11-22. Review status: criteria provided, single submitter. Criteria: Invitae Variant Classification Sherloc (09022015). Collection method: clinical testing. Allele origin: germline.
Comment: This sequence change replaces glycine, which is neutral and non-polar, with arginine, which is basic and polar, at codon 1197 of the FLNC protein (p.Gly1197Arg). This variant is present in population databases (rs753812010, gnomAD 0.0009%). This variant has not been reported in the literature in individuals affected with FLNC-related conditions. ClinVar contains an entry for this variant (Variation ID: 472041). Invitae Evidence Modeling of protein sequence and biophysical properties (such as structural, functional, and spatial information, amino acid conservation, physicochemical variation, residue mobility, and thermodynamic stability) has been performed for this missense variant. However, the output from this modeling did not meet the statistical confidence thresholds required to predict the impact of this variant on FLNC protein function. In summary, the available evidence is currently insufficient to determine the role of this variant in disease. Therefore, it has been classified as a Variant of Uncertain Significance.

Blueprint Genetics
Classification: Uncertain significance. Last evaluated: 2024-02-06. Review status: criteria provided, single submitter. Criteria: ACMG Guidelines, 2015. Collection method: clinical testing. Allele origin: germline.

GeneDx
Classification: Uncertain significance. Last evaluated: 2022-05-10. Review status: criteria provided, single submitter. Criteria: GeneDx Variant Classification Process June 2021. Collection method: clinical testing. Allele origin: germline. Affected: yes.
Comment: Not observed at significant frequency in large population cohorts (gnomAD); In silico analysis supports that this missense variant has a deleterious effect on protein structure/function; Has not been previously published as pathogenic or benign to our knowledge